The following is an entry in ClinVar:

ClinVar aggregate classification (germline): Uncertain significance (1 of 4 stars; one submission).

Conditions:
Inborn genetic diseases. Identifiers: MedGen C0950123, MeSH D030342.

Submission:

Ambry Genetics
Classification: Uncertain significance for Inborn genetic diseases. Last evaluated: 2025-10-10. Review status: criteria provided, single submitter. Criteria: Ambry Variant Classification Scheme 2023. Collection method: clinical testing. Allele origin: germline.
Comment: The p.V276A variant (also known as c.827T>C), located in coding exon 2 of the SH2B3 gene, results from a T to C substitution at nucleotide position 827. The valine at codon 276 is replaced by alanine, an amino acid with similar properties. This amino acid position is conserved. In addition, this alteration is predicted to be deleterious by in silico analysis. Based on the available evidence, the clinical significance of this variant remains unclear.

NM_005475.3(SH2B3):c.827T>C (p.Val276Ala)

Gene: SH2B3 (SH2B adaptor protein 3; plus strand). Cytogenetic location: 12q24.12.
Variant type: single nucleotide variant.
Coding change: c.827T>C on transcript NM_005475.3 (MANE Select); coding-DNA position 827, T replaced by C.
Protein change: p.Val276Ala; replaces valine 276 with alanine.
Molecular consequence: missense variant.
Genome position (GRCh38, 1-based): chr12:111,446,847, T>C. VCF-style: chr12-111446847-T-C. GRCh37 (hg19) VCF-style: chr12-111884651-T-C.
Other names: c.221T>C, p.Val74Ala (NM_001291424.1); short protein forms V74A, V276A.
Identifiers: ClinVar variation 4630706 (VCV004630706.1).
Genomic context (GRCh38, chr12:111,446,847, plus strand): 5'-GCATCCAGGAGGTCCGGTGGTGCACACGGCTTGAGATGCCTGACAACCTTTACACCTTTG[T>C]GCTGAAGGTGAGTGACAAGGCTTTTCACACCCTGGGGCAATACAAATACATACACATACA-3'
Protein context (NP_005466.1, residues 266-286): LEMPDNLYTF[Val276Ala]LKVKDRTDII